The following is an entry in ClinVar:

NM_001085458.2(CTNND1):c.1261A>G (p.Lys421Glu)

Genes: CTNND1 (catenin delta 1; plus strand), TMX2-CTNND1 (TMX2-CTNND1 readthrough (NMD candidate); plus strand). Cytogenetic location: 11q12.1.
Variant type: single nucleotide variant.
Coding change: c.1261A>G on transcript NM_001085458.2 (MANE Select); coding-DNA position 1261, A replaced by G.
Protein change: p.Lys421Glu; replaces lysine 421 with glutamic acid.
Molecular consequence: missense variant. On other transcripts: non-coding transcript variant (1).
Genome position (GRCh38, 1-based): chr11:57,802,037, A>G. VCF-style: chr11-57802037-A-G. GRCh37 (hg19) VCF-style: chr11-57569509-A-G.
Other names: c.1261A>G, p.Lys421Glu (NM_001085459.2, NM_001085460.2, NM_001085461.2 and 3 more transcripts); c.958A>G, p.Lys320Glu (NM_001085463.2, NM_001085464.2, NM_001085465.2 and 5 more transcripts); c.1099A>G, p.Lys367Glu (NM_001206883.2, NM_001206884.2, NM_001206886.2 and 4 more transcripts); short protein forms K421E, K367E, K320E.
Identifiers: ClinVar variation 4616699 (VCV004616699.1).
Genomic context (GRCh38, chr11:57,802,037, plus strand): 5'-AAGACTGACGTGCGGAAGCTCAAGGGCATCCCAGTACTGGTGGGATTGTTAGACCATCCC[A>G]AAAAGGAAGTGCACCTTGGAGCCTGTGGAGCTCTCAAGAATATCTCTTTTGGACGTGACC-3'
Protein context (NP_001078927.1, residues 411-431): PVLVGLLDHP[Lys421Glu]KEVHLGACGA

ClinVar aggregate classification (germline): Uncertain significance (1 of 4 stars; one submission).

Conditions:
Inborn genetic diseases. Identifiers: MedGen C0950123, MeSH D030342.

gnomAD v4.1: 4 of 1,613,920 alleles (0.00025%); highest among the groups gnomAD compares: Non-Finnish European, 0.00034%; no homozygotes.

Submission:

Ambry Genetics
Classification: Uncertain significance for Inborn genetic diseases. Last evaluated: 2025-11-25. Review status: criteria provided, single submitter. Criteria: Ambry Variant Classification Scheme 2023. Collection method: clinical testing. Allele origin: germline.
Comment: The c.1261A>G (p.K421E) alteration is located in exon 7 (coding exon 5) of the CTNND1 gene. This alteration results from a A to G substitution at nucleotide position 1261, causing the lysine (K) at amino acid position 421 to be replaced by a glutamic acid (E). Based on data from gnomAD, the G allele has an overall frequency of 0.003% (1/31408) total alleles studied. The highest observed frequency was <0.001% (/) of alleles. Based on insufficient or conflicting evidence, the clinical significance of this alteration remains unclear.